The following is an entry in ClinVar:

NM_006618.5(KDM5B):c.576+8T>C

Gene: KDM5B (lysine demethylase 5B; minus strand). Cytogenetic location: 1q32.1.
Variant type: single nucleotide variant.
Coding change: c.576+8T>C on transcript NM_006618.5 (MANE Select); 8 bases into the intron after coding-DNA position 576, T replaced by C.
Molecular consequence: intron variant.
Genome position (GRCh38, 1-based): chr1:202,773,110, A>G on the plus strand (T>C on the coding strand, the complement: KDM5B is on the minus strand). VCF-style: chr1-202773110-A-G. GRCh37 (hg19) VCF-style: chr1-202742238-A-G.
Other names: c.576+8T>C (NM_006618.4, NM_001347591.2, NM_001314042.2); c.561+8T>C (NM_001399817.1).
Identifiers: ClinVar variation 2639809 (VCV002639809.25), dbSNP rs201886267, ClinGen allele CA1334980.

ClinVar aggregate classification (germline): Likely benign. Review status: criteria provided, single submitter (1 of 4 stars). 2 submissions from 2 submitters: Likely benign (1). 1 of the submissions does not count toward it. Last evaluated 2026-03-01.

Conditions:
KDM5B-related disorder. Also called: KDM5B-related condition.

Allele frequency attached by ClinVar (database versions not stated): 1000 Genomes Project 30x 0.00265; 1000 Genomes Project 0.00280.
gnomAD v4.1: 214 of 1,599,046 alleles (0.013%); highest among the groups gnomAD compares: East Asian, 0.29%; 2 homozygotes.

Submissions (2):

CeGaT Center for Human Genetics Tuebingen
Classification: Likely benign. Last evaluated: 2026-03-01. Review status: criteria provided, single submitter. Criteria: CeGaT Center For Human Genetics Tuebingen Variant Classification Criteria Version 2. Collection method: clinical testing. Allele origin: germline. Affected: yes. Observed: 2 variant alleles.
Comment: KDM5B: BP4

PreventionGenetics, part of Exact Sciences
Classification: Likely benign for KDM5B-related condition. Last evaluated: 2019-11-16. Review status: no assertion criteria provided. Collection method: clinical testing. Allele origin: germline. Not counted in ClinVar's aggregate classification.
Comment: This variant is classified as likely benign based on ACMG/AMP sequence variant interpretation guidelines (Richards et al. 2015 PMID: 25741868, with internal and published modifications).